The following is an entry in ClinVar:

NM_017780.4(CHD7):c.272G>A (p.Ser91Asn)

Gene: CHD7 (chromodomain helicase DNA binding protein 7; plus strand). Cytogenetic location: 8q12.2.
Variant type: single nucleotide variant.
Coding change: c.272G>A on transcript NM_017780.4 (MANE Select); coding-DNA position 272, G replaced by A.
Protein change: p.Ser91Asn; replaces serine 91 with asparagine.
Molecular consequence: missense variant.
Genome position (GRCh38, 1-based): chr8:60,741,704, G>A. VCF-style: chr8-60741704-G-A. GRCh37 (hg19) VCF-style: chr8-61654263-G-A.
Other names: c.272G>A (NM_017780.3); c.272G>A, p.Ser91Asn (NM_001316690.1); short protein forms S91N.
Identifiers: ClinVar variation 195324 (VCV000195324.7), dbSNP rs794727294, ClinGen allele CA241705.

ClinVar aggregate classification (germline): Conflicting classifications of pathogenicity. Review status: criteria provided, conflicting classifications (1 of 4 stars). 3 submissions from 3 submitters: Uncertain significance (1); Benign (1). 1 of the submissions does not count toward it. Last evaluated 2025-08-06.

Conditions:
CHD7-related disorder. Also called: CHD7-related condition.
CHARGE syndrome (CHARGE). Also called: Coloboma, heart anomaly, choanal atresia, retardation, genital and ear anomalies; CHARGE association; Hall-Hittner syndrome; CHARGE ASSOCIATION--COLOBOMA, HEART ANOMALY, CHOANAL ATRESIA, RETARDATION, GENITAL AND EAR ANOMALIES; Hittner Hirsch Kreh syndrome. Identifiers: Orphanet 138, MedGen C0265354, MONDO:0008965.

Allele frequency attached by ClinVar (database versions not stated): gnomAD 0.00001; TOPMed 0.00002.
gnomAD v4.1: 2 of 1,613,852 alleles (0.00012%); highest among the groups gnomAD compares: African/African-American, 0.0027%; no homozygotes.

Submissions (3):

Labcorp Genetics (formerly Invitae), Labcorp
Classification: Benign for CHARGE syndrome. Last evaluated: 2025-08-06. Review status: criteria provided, single submitter. Criteria: Invitae Variant Classification Sherloc (09022015). Collection method: clinical testing. Allele origin: germline.

Eurofins Ntd Llc (ga)
Classification: Uncertain significance. Last evaluated: 2014-09-12. Review status: criteria provided, single submitter. Criteria: EGL Classification Definitions 2015. Collection method: clinical testing. Allele origin: germline. Observed: 1 variant allele, 1 heterozygote.

PreventionGenetics, part of Exact Sciences
Classification: Uncertain significance for CHD7-related condition. Last evaluated: 2024-07-22. Review status: no assertion criteria provided. Collection method: clinical testing. Allele origin: germline. Not counted in ClinVar's aggregate classification.
Comment: The CHD7 c.272G>A variant is predicted to result in the amino acid substitution p.Ser91Asn. To our knowledge, this variant has not been reported in the literature. This variant is reported in 0.011% of alleles in individuals of African descent in gnomAD. At this time, the clinical significance of this variant is uncertain due to the absence of conclusive functional and genetic evidence.